The following is an entry in ClinVar:

NM_016203.4(PRKAG2):c.1438-7A>G

Gene: PRKAG2 (protein kinase AMP-activated non-catalytic subunit gamma 2; minus strand). Cytogenetic location: 7q36.1.
Variant type: single nucleotide variant.
Coding change: c.1438-7A>G on transcript NM_016203.4 (MANE Select); 7 bases into the intron before coding-DNA position 1438, A replaced by G.
Molecular consequence: intron variant.
Genome position (GRCh38, 1-based): chr7:151,564,231, T>C on the plus strand (A>G on the coding strand, the complement: PRKAG2 is on the minus strand). VCF-style: chr7-151564231-T-C. GRCh37 (hg19) VCF-style: chr7-151261317-T-C.
Other names: c.1147-7A>G (NM_001407031.1); c.1150-7A>G (NM_001407030.1); c.1435-7A>G (NM_001407023.1, NM_001407022.1); c.1438-7A>G (NM_001407021.1); c.1120-7A>G (NM_001407032.1); c.1303-7A>G (NM_001407026.1, NM_001407027.1); c.1306-7A>G (NM_001040633.2, NM_001407024.1); c.1114-7A>G (NM_001407033.1); and 6 more.
Identifiers: ClinVar variation 3387522 (VCV003387522.1).

ClinVar aggregate classification (germline): Likely benign (1 of 4 stars; one submission).

Conditions:
Hypertrophic cardiomyopathy. Also called: HYPERTROPHIC MYOCARDIOPATHY. Identifiers: Orphanet 217569, MedGen C0007194, MeSH D002312, MONDO:0005045, HP:0001639.

gnomAD v4.1: 1 of 1,614,048 alleles (0.000062%); highest among the groups gnomAD compares: African/African-American, 0.0013%; no homozygotes.

Submission:

All of Us Research Program, National Institutes of Health
Classification: Likely benign for Hypertrophic cardiomyopathy. Last evaluated: 2024-07-29. Review status: criteria provided, single submitter. Criteria: ACMG Guidelines, 2015. Collection method: clinical testing. Allele origin: germline. Inheritance: Autosomal dominant inheritance. Observed: 1 variant allele, 1 heterozygote.
Comment: This study involves interpretation of variants in research participants for the purpose of population health screening. Participant phenotype was not available at the time of variant classification. Additional details can be found in publication PMID: 35346344, PMCID: PMC8962531